The following is an entry in ClinVar:

ClinVar aggregate classification (germline): Likely benign. Review status: criteria provided, multiple submitters, no conflicts (2 of 4 stars). 6 submissions from 6 submitters: Likely benign (4). 2 of the submissions do not count toward it. Last evaluated 2024-02-24.

Conditions:
Familial thoracic aortic aneurysm and aortic dissection (TAAD). Also called: Thoracic aortic aneurysms and dissections. Identifiers: Orphanet 91387, MedGen C4707243, MONDO:0019625.
Aortic aneurysm, familial thoracic 4 (AAT4). Also called: AORTIC ANEURYSM/AORTIC DISSECTION AND PATENT DUCTUS ARTERIOSUS. Identifiers: MedGen C1851504, MONDO:0007568, OMIM 132900.

gnomAD v4.1: 7 of 1,613,860 alleles (0.00043%); highest among the groups gnomAD compares: East Asian, 0.0022%; no homozygotes.

Submissions (6):

Labcorp Genetics (formerly Invitae), Labcorp
Classification: Likely benign for Aortic aneurysm, familial thoracic 4. Last evaluated: 2024-02-24. Review status: criteria provided, single submitter. Criteria: Invitae Variant Classification Sherloc (09022015). Collection method: clinical testing. Allele origin: germline.

Ambry Genetics
Classification: Likely benign for Familial thoracic aortic aneurysm and aortic dissection. Last evaluated: 2023-12-12. Review status: criteria provided, single submitter. Criteria: Ambry Variant Classification Scheme 2023. Collection method: clinical testing. Allele origin: germline.

All of Us Research Program, National Institutes of Health
Classification: Likely benign for Familial thoracic aortic aneurysm and aortic dissection. Last evaluated: 2023-06-26. Review status: criteria provided, single submitter. Criteria: ACMG Guidelines, 2015. Collection method: clinical testing. Allele origin: germline. Inheritance: Autosomal dominant inheritance. Observed: 1 variant allele, 1 heterozygote.
Comment: This study involves interpretation of variants in research participants for the purpose of population health screening. Participant phenotype was not available at the time of variant classification. Additional details can be found in publication PMID: 35346344, PMCID: PMC8962531

Color Diagnostics, LLC DBA Color Health
Classification: Likely benign for Familial thoracic aortic aneurysm and aortic dissection. Last evaluated: 2018-11-30. Review status: criteria provided, single submitter. Criteria: ACMG Guidelines, 2015. Collection method: clinical testing. Allele origin: germline.

Clinical Genetics DNA and cytogenetics Diagnostics Lab, Erasmus MC, Erasmus Medical Center
Classification: Likely benign. Review status: no assertion criteria provided. Collection method: clinical testing. Allele origin: germline. Affected: yes. Study: VKGL Data-share Consensus. Not counted in ClinVar's aggregate classification.

Genome Diagnostics Laboratory, University Medical Center Utrecht
Classification: Likely benign. Review status: no assertion criteria provided. Collection method: clinical testing. Allele origin: germline. Affected: yes. Study: VKGL Data-share Consensus. Not counted in ClinVar's aggregate classification.

NM_002474.3(MYH11):c.5370C>G (p.Leu1790=)

Genes: MYH11 (myosin heavy chain 11; minus strand), NDE1 (nudE neurodevelopment protein 1; plus strand). Cytogenetic location: 16p13.11.
Variant type: single nucleotide variant.
Coding change: c.5370C>G on transcript NM_002474.3 (MANE Select); coding-DNA position 5370, C replaced by G.
Protein change: p.Leu1790=; no amino-acid change (leucine 1790 retained).
Molecular consequence: synonymous variant. On other transcripts: intron variant (2).
Genome position (GRCh38, 1-based): chr16:15,717,274, G>C on the plus strand (C>G on the coding strand, the complement: MYH11 is on the minus strand). VCF-style: chr16-15717274-G-C. GRCh37 (hg19) VCF-style: chr16-15811131-G-C.
Other names: c.5391C>G, p.Leu1797= (NM_001040113.2, NM_001040114.2); c.5370C>G, p.Leu1790= (NM_022844.3); c.948-6917G>C (NM_001143979.2, NM_017668.3).
Identifiers: ClinVar variation 922449 (VCV000922449.8), dbSNP rs35295469, ClinGen allele CA7921290.